The following is an entry in ClinVar:

ClinVar aggregate classification (germline): Benign. Review status: reviewed by expert panel (3 of 4 stars). 15 submissions from 15 submitters: Benign (1). 14 of the submissions do not count toward it. Last evaluated 2022-05-18.

Conditions:
DICER1-related disorder. Also called: DICER1-related condition.
DICER1-related tumor predisposition. Also called: DICER1-related pleuropulmonary blastoma cancer predisposition syndrome; DICER1 syndrome. Identifiers: Orphanet 284343, MedGen C3839822, MONDO:0100216.
Hereditary cancer-predisposing syndrome. Also called: Tumor predisposition; Hereditary neoplastic syndrome; Neoplastic Syndromes, Hereditary; Hereditary Cancer Syndrome. Identifiers: Orphanet 140162, MedGen C0027672, MeSH D009386, MONDO:0015356.

Allele frequency attached by ClinVar (database versions not stated): ESP Exome Variant Server 0.00054; ExAC 0.00055; TOPMed 0.00059; gnomAD exomes 0.00065 and 0.00110; gnomAD 0.00069 and 0.00070.

Submissions (15):

ClinGen DICER1 and miRNA-Processing Gene Variant Curation Expert Panel, ClinGen
Classification: Benign for DICER1-related tumor predisposition. Last evaluated: 2022-05-18. Review status: reviewed by expert panel. Criteria: ClinGen DICER1 ACMG Specifications DICER1 v1. Collection method: curation. Allele origin: germline. Inheritance: Autosomal dominant inheritance.
Comment: The NM_177438.2:c.59C>T is a missense variant in DICER1 predicted to cause substitution of Alanine by Valine at amino acid 20 (p.Ala20Val). The highest population minor allele frequency in gnomAD v2.1.1 is 0.0009673 in the non-Finnish European population, which is higher than the ClinGen DICER1 VCEP threshold (>0.0003) for BS1, and therefore meets this criterion (BS1). This variant has been observed in 40 or more unrelated females without tumors through age 50 in at least one testing laboratory (Internal lab contributors GTRs: 61756, 500031) and has been observed in a homozygous state in 3 healthy individuals (Internal lab contributors GTR: 500031)(BS2). The computational predictor REVEL gives a score of 0.302, which is below the threshold of 0.5, and the splice site predictors MaxEntScan and SpliceAI indicate that the variant has no impact on splicing, evidence that does not predict a damaging effect on DICER1 function (BP4). In summary, this variant meets the criteria to be classified as benign for DICER1 syndrome based on the ACMG/AMP criteria applied, as specified by the ClinGen DICER1 VCEP: BS1, BS2, BP4. (Bayesian Points: -9; VCEP specifications version 1; 02/11/2022).

CeGaT Center for Human Genetics Tuebingen
Classification: Likely benign. Last evaluated: 2026-03-01. Review status: criteria provided, single submitter. Criteria: CeGaT Center For Human Genetics Tuebingen Variant Classification Criteria Version 2. Collection method: clinical testing. Allele origin: germline. Affected: yes. Observed: 4 variant alleles. Not counted in ClinVar's aggregate classification.
Comment: DICER1: BS1

Labcorp Genetics (formerly Invitae), Labcorp
Classification: Benign for DICER1-related tumor predisposition. Last evaluated: 2026-02-03. Review status: criteria provided, single submitter. Criteria: Invitae Variant Classification Sherloc (09022015). Collection method: clinical testing. Allele origin: germline. Not counted in ClinVar's aggregate classification.

Quest Diagnostics Nichols Institute San Juan Capistrano
Classification: Benign. Last evaluated: 2025-06-23. Review status: criteria provided, single submitter. Criteria: Quest Diagnostics criteria. Collection method: clinical testing. Allele origin: unknown. Not counted in ClinVar's aggregate classification.

Center for Genomic Medicine, Rigshospitalet, Copenhagen University Hospital
Classification: Benign. Last evaluated: 2025-03-04. Review status: criteria provided, single submitter. Criteria: ACMG Guidelines, 2015. Collection method: clinical testing. Allele origin: germline. Not counted in ClinVar's aggregate classification.

Blueprint Genetics
Classification: Likely benign. Last evaluated: 2024-11-27. Review status: criteria provided, single submitter. Criteria: ACMG Guidelines, 2015. Collection method: clinical testing. Allele origin: germline. Not counted in ClinVar's aggregate classification.

Ambry Genetics
Classification: Likely benign for Hereditary cancer-predisposing syndrome. Last evaluated: 2022-03-28. Review status: criteria provided, single submitter. Criteria: Ambry Variant Classification Scheme 2023. Collection method: clinical testing. Allele origin: germline. Not counted in ClinVar's aggregate classification.

GeneDx
Classification: Likely benign. Last evaluated: 2021-05-06. Review status: criteria provided, single submitter. Criteria: GeneDx Variant Classification Process June 2021. Collection method: clinical testing. Allele origin: germline. Affected: yes. Not counted in ClinVar's aggregate classification.
Comment: This variant is associated with the following publications: (PMID: 28873162, 24728327)

Sema4
Classification: Likely benign for Hereditary cancer-predisposing syndrome. Last evaluated: 2021-04-27. Review status: criteria provided, single submitter. Criteria: Sema4 Curation Guidelines. Collection method: curation. Allele origin: germline. Not counted in ClinVar's aggregate classification.

ARUP Laboratories, Molecular Genetics and Genomics, ARUP Laboratories
Classification: Likely benign. Last evaluated: 2021-04-21. Review status: criteria provided, single submitter. Criteria: ARUP Molecular Germline Variant Investigation Process 2021. Collection method: clinical testing. Allele origin: germline. Not counted in ClinVar's aggregate classification.

Illumina Laboratory Services, Illumina
Classification: Benign for Pleuropulmonary blastoma. Last evaluated: 2018-01-13. Review status: criteria provided, single submitter. Criteria: ICSL Variant Classification Criteria 13 December 2019. Collection method: clinical testing. Allele origin: germline. Not counted in ClinVar's aggregate classification.
Comment: This variant was observed in the ICSL laboratory as part of a predisposition screen in an ostensibly healthy population. It had not been previously curated by ICSL or reported in the Human Gene Mutation Database (HGMD: prior to June 1st, 2018), and was therefore a candidate for classification through an automated scoring system. Utilizing variant allele frequency, disease prevalence and penetrance estimates, and inheritance mode, an automated score was calculated to assess if this variant is too frequent to cause the disease. Based on the score and internal cut-off values, a variant classified as benign is not then subjected to further curation. The score for this variant resulted in a classification of benign for this disease.

Breakthrough Genomics
Classification: Likely benign. Review status: criteria provided, single submitter. Criteria: ACMG Guidelines, 2015. Collection method: not provided. Allele origin: germline. Inheritance: Autosomal dominant inheritance. Affected: yes. Not counted in ClinVar's aggregate classification.

PreventionGenetics, part of Exact Sciences
Classification: Benign for DICER1-related condition. Last evaluated: 2024-03-14. Review status: no assertion criteria provided. Collection method: clinical testing. Allele origin: germline. Not counted in ClinVar's aggregate classification.
Comment: This variant is classified as benign based on ACMG/AMP sequence variant interpretation guidelines (Richards et al. 2015 PMID: 25741868, with internal and published modifications).

ITMI
No classification provided. Condition: AllHighlyPenetrant. Last evaluated: 2013-09-19. Review status: no classification provided. Collection method: reference population. Allele origin: germline. Not counted in ClinVar's aggregate classification.
Comment: Please see associated publication for description of ethnicities

Department of Pathology and Laboratory Medicine, Sinai Health System
Classification: Uncertain significance. Review status: no assertion criteria provided. Collection method: clinical testing. Allele origin: unknown. Affected: yes. Study: The Canadian Open Genetics Repository (COGR). Not counted in ClinVar's aggregate classification.

Literature cited by the submitters: PubMed 24728327 (cited by ITMI).

NM_177438.3(DICER1):c.59C>T (p.Ala20Val)

Gene: DICER1 (dicer 1, ribonuclease III; minus strand). Cytogenetic location: 14q32.13.
Variant type: single nucleotide variant.
Coding change: c.59C>T on transcript NM_177438.3 (MANE Select); coding-DNA position 59, C replaced by T.
Protein change: p.Ala20Val; replaces alanine 20 with valine.
Molecular consequence: missense variant.
Genome position (GRCh38, 1-based): chr14:95,133,400, G>A on the plus strand (C>T on the coding strand, the complement: DICER1 is on the minus strand). VCF-style: chr14-95133400-G-A. GRCh37 (hg19) VCF-style: chr14-95599737-G-A.
Other names: NM_177438.2(DICER1):c.59C>T; p.Ala20Val; c.59C>T, p.Ala20Val (NM_001195573.1, NM_001271282.3, NM_001291628.2 and 1 more transcripts); short protein forms A20V.
Identifiers: ClinVar variation 133964 (VCV000133964.62), dbSNP rs147660793, ClinGen allele CA332140.